The following is an entry in ClinVar:

ClinVar aggregate classification (germline): Uncertain significance (1 of 4 stars; one submission).

gnomAD v4.1: 20 of 1,612,688 alleles (0.0012%); highest among the groups gnomAD compares: Non-Finnish European, 0.0017%; no homozygotes.

Submission:

Women's Health and Genetics/Laboratory Corporation of America, LabCorp
Classification: Uncertain significance. Last evaluated: 2025-11-25. Review status: criteria provided, single submitter. Criteria: LabCorp Variant Classification Summary - May 2015. Collection method: clinical testing. Allele origin: germline.
Comment: Variant summary: MYH14 c.5228C>A (p.Ala1743Asp) results in a non-conservative amino acid change in the encoded protein sequence. Algorithms developed to predict the effect of missense changes on protein structure and function all suggest that this variant is likely to be disruptive. The variant allele was found at a frequency of 4e-06 in 248330 control chromosomes. The available data on variant occurrences in the general population are insufficient to allow any conclusion about variant significance. To our knowledge, no occurrence of c.5228C>A in individuals affected with MYH14-related conditions and no experimental evidence demonstrating its impact on protein function have been reported. No submitters have cited clinical-significance assessments for this variant to ClinVar. Based on the evidence outlined above, the variant was classified as uncertain significance.

NM_001145809.2(MYH14):c.5351C>A (p.Ala1784Asp)

Gene: MYH14 (myosin heavy chain 14; plus strand). Cytogenetic location: 19q13.33.
Variant type: single nucleotide variant.
Coding change: c.5351C>A on transcript NM_001145809.2 (MANE Select); coding-DNA position 5351, C replaced by A.
Protein change: p.Ala1784Asp; replaces alanine 1784 with aspartic acid.
Molecular consequence: missense variant.
Genome position (GRCh38, 1-based): chr19:50,293,569, C>A. VCF-style: chr19-50293569-C-A. GRCh37 (hg19) VCF-style: chr19-50796826-C-A.
Other names: c.5252C>A, p.Ala1751Asp (NM_001077186.2); c.5228C>A, p.Ala1743Asp (NM_024729.4); short protein forms A1743D, A1751D, A1784D.
Identifiers: ClinVar variation 4537181 (VCV004537181.1).